The following is an entry in ClinVar:

ClinVar aggregate classification (germline): Uncertain significance (1 of 4 stars; one submission).

Conditions:
PRPF6-related disorder. Also called: PRPF6-related condition.

gnomAD v4.1: 3 of 1,613,766 alleles (0.00019%); highest among the groups gnomAD compares: Non-Finnish European, 0.00025%; no homozygotes.

Submission:

PreventionGenetics, part of Exact Sciences
Classification: Uncertain significance for PRPF6-related condition. Last evaluated: 2025-05-28. Review status: criteria provided, single submitter. Criteria: ACMG Guidelines, 2015. Collection method: clinical testing. Allele origin: germline.
Comment: The PRPF6 c.2034C>G variant is predicted to result in the amino acid substitution p.Phe678Leu. To our knowledge, this variant has not been reported in the literature or in a large population database (gnomAD), indicating this variant is rare. At this time, the clinical significance of this variant is uncertain due to the absence of conclusive functional and genetic evidence.

NM_012469.4(PRPF6):c.2034C>G (p.Phe678Leu)

Gene: PRPF6 (pre-mRNA processing factor 6; plus strand). Cytogenetic location: 20q13.33.
Variant type: single nucleotide variant.
Coding change: c.2034C>G on transcript NM_012469.4 (MANE Select); coding-DNA position 2034, C replaced by G.
Protein change: p.Phe678Leu; replaces phenylalanine 678 with leucine.
Molecular consequence: missense variant.
Genome position (GRCh38, 1-based): chr20:64,026,987, C>G. VCF-style: chr20-64026987-C-G. GRCh37 (hg19) VCF-style: chr20-62658340-C-G.
Other names: short protein forms F678L.
Identifiers: ClinVar variation 4986350 (VCV004986350.1).